The following is an entry in ClinVar:

ClinVar aggregate classification (germline): Likely benign (0 of 4 stars; one submission).

Conditions:
SLC28A1-related disorder. Also called: SLC28A1-related condition.

Allele frequency attached by ClinVar (database versions not stated): gnomAD exomes 0.00019; ExAC 0.00050; gnomAD 0.00166; 1000 Genomes Project 30x 0.00172; 1000 Genomes Project 0.00200; ESP Exome Variant Server 0.00200.
gnomAD v4.1: 541 of 1,613,518 alleles (0.034%); highest among the groups gnomAD compares: African/African-American, 0.58%; 2 homozygotes.

Submission:

PreventionGenetics, part of Exact Sciences
Classification: Likely benign for SLC28A1-related condition. Last evaluated: 2020-01-02. Review status: no assertion criteria provided. Collection method: clinical testing. Allele origin: germline.
Comment: This variant is classified as likely benign based on ACMG/AMP sequence variant interpretation guidelines (Richards et al. 2015 PMID: 25741868, with internal and published modifications).

NM_004213.5(SLC28A1):c.1098G>A (p.Ser366=)

Gene: SLC28A1 (solute carrier family 28 member 1; plus strand). Cytogenetic location: 15q25.3.
Variant type: single nucleotide variant.
Coding change: c.1098G>A on transcript NM_004213.5 (MANE Select); coding-DNA position 1098, G replaced by A.
Protein change: p.Ser366=; no amino-acid change (serine 366 retained).
Molecular consequence: synonymous variant. On other transcripts: intron variant (1).
Genome position (GRCh38, 1-based): chr15:84,933,159, G>A. VCF-style: chr15-84933159-G-A. GRCh37 (hg19) VCF-style: chr15-85476390-G-A.
Other names: c.1098G>A, p.Ser366= (NM_001287762.2, NM_001321721.2, NM_001321722.2); c.1083+9049G>A (NM_001287761.2).
Identifiers: ClinVar variation 3053484 (VCV003053484.2), dbSNP rs17222379, ClinGen allele CA7710713.
Genomic context (GRCh38, chr15:84,933,159, plus strand): 5'-ATTTCTTCTGACTGTCCACCTAGAACCTGCACTCTCACTCTTGCAGATCGATGCCACCTC[G>A]TTGATTGCAGCCTCTGTGATGGCTGCCCCTTGTGCCTTGGCCCTCTCCAAGCTGGTCTAC-3'
Protein context (NP_004204.3, residues 356-376): AYISFGIDAT[Ser366=]LIAASVMAAP